The following is an entry in ClinVar:

NM_001042492.3(NF1):c.731-1G>C

Gene: NF1 (neurofibromin 1; plus strand). Cytogenetic location: 17q11.2.
Variant type: single nucleotide variant.
Coding change: c.731-1G>C on transcript NM_001042492.3 (MANE Select); the canonical splice acceptor site of the intron before coding-DNA position 731, G replaced by C.
Molecular consequence: splice acceptor variant.
Genome position (GRCh38, 1-based): chr17:31,182,507, G>C. VCF-style: chr17-31182507-G-C. GRCh37 (hg19) VCF-style: chr17-29509525-G-C.
Other names: c.731-1G>C (NM_000267.3, NM_000267.4, NM_001128147.3).
Identifiers: ClinVar variation 1073116 (VCV001073116.26), dbSNP rs1555608928, ClinGen allele CA398990445.
Genomic context (GRCh38, chr17:31,182,507, plus strand): 5'-ACTTTAATGCCAGGGATTTTGTTCCTATCTAATAATGTCATTTAATATATTTTTCATGCA[G>C]AATGTGCAGAAAAGCTATTTGACTTGGTGGATGGTTTTGCTGAAAGCACCAAACGTAAAG-3'

ClinVar aggregate classification (germline): Pathogenic. Review status: criteria provided, multiple submitters, no conflicts (2 of 4 stars). 6 submissions from 6 submitters: Pathogenic (5). 1 of the submissions does not count toward it. Last evaluated 2025-04-17.

Conditions:
Gastric cancer. Also called: Stomach cancer; Malignant tumor of stomach. Identifiers: MedGen C0024623, MeSH D013274, MONDO:0001056, OMIM 613659, HP:0012126.
Juvenile myelomonocytic leukemia (JMML). Also called: LEUKEMIA, JUVENILE MYELOMONOCYTIC, SOMATIC. Identifiers: Orphanet 86834, MedGen C0349639, MONDO:0011908, OMIM 607785, HP:0012209.
Neurofibromatosis-Noonan syndrome (NFNS). Also called: NEUROFIBROMATOSIS WITH NOONAN PHENOTYPE. Identifiers: Orphanet 638, MedGen C2931482, MONDO:0011035, OMIM 601321. Disease mechanism: loss of function.
NF1-related disorder. Also called: NF1-related condition. Identifiers: MedGen CN379171.
Neurofibromatosis, type 1 (NF1). Also called: VON RECKLINGHAUSEN DISEASE; Peripheral type neurofibromatosis; Neurofibromatosis, type I; NEUROFIBROMATOSIS, TYPE I, SOMATIC. Identifiers: Orphanet 636, MedGen C0027831, MONDO:0018975, OMIM 162200. Disease mechanism: loss of function.

Submissions (6):

3billion
Classification: Pathogenic for Neurofibromatosis, type 1. Last evaluated: 2025-04-17. Review status: criteria provided, single submitter. Criteria: ACMG Guidelines, 2015. Collection method: clinical testing. Allele origin: germline. Affected: yes.
Comment: The variant is not observed in the gnomAD v4.1.0 dataset. Predicted Consequence/Location: Canonical splice site: predicted to alter splicing and result in a loss or disruption of normal protein function. Multiple pathogenic loss-of-function variants are reported downstream of the variant. In silico tools predict the variant to alter splicing and produce an abnormal transcript [SpliceAI: 0.97 (spliceogenicity >=0.2, non-spliceogenicity <0.1)]. The variant has been reported at least twice as pathogenic without evidence for the classification (ClinVar ID: VCV001073116 / PMID: 19061981).Therefore, this variant is classified as Pathogenic according to the recommendation of ACMG/AMP guideline.

Baylor Genetics
Classification: Pathogenic for Juvenile myelomonocytic leukemia. Last evaluated: 2024-01-22. Review status: criteria provided, single submitter. Criteria: ACMG Guidelines, 2015. Collection method: clinical testing. Allele origin: unknown.

Human Genetics Bochum, Ruhr University Bochum
Classification: Pathogenic for Neurofibromatosis-Noonan syndrome. Last evaluated: 2022-10-11. Review status: criteria provided, single submitter. Criteria: ACMG Guidelines, 2015. Collection method: clinical testing. Allele origin: germline. Affected: yes.
Comment: ACMG criteria used to clasify this variant: PVS1, PM2, PS4

Labcorp Genetics (formerly Invitae), Labcorp
Classification: Pathogenic for Neurofibromatosis, type 1. Last evaluated: 2022-08-09. Review status: criteria provided, single submitter. Criteria: Invitae Variant Classification Sherloc (09022015). Collection method: clinical testing. Allele origin: germline.
Comment: This sequence change affects an acceptor splice site in intron 7 of the NF1 gene. It is expected to disrupt RNA splicing. Variants that disrupt the donor or acceptor splice site typically lead to a loss of protein function (PMID: 16199547), and loss-of-function variants in NF1 are known to be pathogenic (PMID: 10712197, 23913538). This variant is not present in population databases (gnomAD no frequency). Disruption of this splice site has been observed in individual(s) with neurofibromatosis (PMID: 19061981; Invitae). For these reasons, this variant has been classified as Pathogenic. ClinVar contains an entry for this variant (Variation ID: 1073116). Algorithms developed to predict the effect of sequence changes on RNA splicing suggest that this variant may disrupt the consensus splice site.

Blueprint Genetics
Classification: Pathogenic for NF1-related disorders. Last evaluated: 2019-09-03. Review status: criteria provided, single submitter. Criteria: ACMG Guidelines, 2015. Collection method: clinical testing. Allele origin: germline. Affected: yes. Observed: 1 variant allele.

Laboratory for Genotyping Development, RIKEN
Classification: Pathogenic for Gastric cancer. Last evaluated: 2021-07-01. Review status: no assertion criteria provided. Collection method: research. Allele origin: germline. Not counted in ClinVar's aggregate classification.

Literature cited by the submitters: PubMed 19061981 (cited by 3billion and Labcorp Genetics (formerly Invitae), Labcorp); PubMed 16199547 (cited by Labcorp Genetics (formerly Invitae), Labcorp); PubMed 10712197 (cited by Labcorp Genetics (formerly Invitae), Labcorp); PubMed 23913538 (cited by Labcorp Genetics (formerly Invitae), Labcorp); PubMed 36988593 (cited by Laboratory for Genotyping Development, RIKEN).